The following is an entry in ClinVar:

ClinVar aggregate classification (germline): Uncertain significance. Review status: criteria provided, multiple submitters, no conflicts (2 of 4 stars). 2 submissions from 2 submitters: Uncertain significance (2). Last evaluated 2025-06-24.

Conditions:
Hyperaldosteronism, familial, type IV (HALD4). Also called: FH IV; ALDOSTERONISM, PRIMARY, AND HYPERTENSION. Identifiers: Orphanet 642671, MedGen C4310756, MONDO:0014875, OMIM 617027.
Epilepsy, childhood absence, susceptibility to, 6. Identifiers: Orphanet 64280, MedGen C2749872, MONDO:0012763, OMIM 611942.

Submissions (2):

Dasa
Classification: Uncertain significance. Last evaluated: 2025-06-24. Review status: criteria provided, single submitter. Criteria: DASA Assertion Criteria. Collection method: clinical testing. Allele origin: germline.
Comment: NM_021098.3(CACNA1H):c.427A>G (p.Ile143Val) is a missense variant that results in the substitution of isoleucine with valine. This variant is absent from population databases. The currently available literature and clinical evidence are not sufficient to establish a definitive association between this variant and the reported condition. Therefore, this variant is classified as a variant of uncertain significance.

Fulgent Genetics
Classification: Uncertain significance for Epilepsy, childhood absence, susceptibility to, 6; Hyperaldosteronism, familial, type IV. Last evaluated: 2024-03-02. Review status: criteria provided, single submitter. Criteria: ACMG Guidelines, 2015. Collection method: clinical testing. Allele origin: germline.

NM_021098.3(CACNA1H):c.427A>G (p.Ile143Val)

Gene: CACNA1H (calcium voltage-gated channel subunit alpha1 H; plus strand). Cytogenetic location: 16p13.3.
Variant type: single nucleotide variant.
Coding change: c.427A>G on transcript NM_021098.3 (MANE Select); coding-DNA position 427, A replaced by G.
Protein change: p.Ile143Val; replaces isoleucine 143 with valine.
Molecular consequence: missense variant.
Genome position (GRCh38, 1-based): chr16:1,195,447, A>G. VCF-style: chr16-1195447-A-G. GRCh37 (hg19) VCF-style: chr16-1245447-A-G.
Other names: c.427A>G, p.Ile143Val (NM_001005407.2); short protein forms I143V.
Identifiers: ClinVar variation 3578251 (VCV003578251.3).